The following is an entry in ClinVar:

ClinVar aggregate classification (germline): Likely benign (0 of 4 stars; one submission).

Conditions:
FANCA-related disorder. Also called: FANCA-related condition.

Allele frequency attached by ClinVar (database versions not stated): gnomAD exomes below 0.00001.
gnomAD v4.1: 1 of 1,614,138 alleles (0.000062%); highest among the groups gnomAD compares: East Asian, 0.0022%; no homozygotes.

Submission:

PreventionGenetics, part of Exact Sciences
Classification: Likely benign for FANCA-related condition. Last evaluated: 2021-03-17. Review status: no assertion criteria provided. Collection method: clinical testing. Allele origin: germline.
Comment: This variant is classified as likely benign based on ACMG/AMP sequence variant interpretation guidelines (Richards et al. 2015 PMID: 25741868, with internal and published modifications).

NM_000135.4(FANCA):c.426+10C>T

Gene: FANCA (FA complementation group A; minus strand). Cytogenetic location: 16q24.3.
Variant type: single nucleotide variant.
Coding change: c.426+10C>T on transcript NM_000135.4 (MANE Select); 10 bases into the intron after coding-DNA position 426, C replaced by T.
Molecular consequence: intron variant.
Genome position (GRCh38, 1-based): chr16:89,810,919, G>A on the plus strand (C>T on the coding strand, the complement: FANCA is on the minus strand). VCF-style: chr16-89810919-G-A. GRCh37 (hg19) VCF-style: chr16-89877327-G-A.
Other names: c.426+10C>T (NM_001286167.3, NM_001351830.2, NM_001018112.3).
Identifiers: ClinVar variation 3030695 (VCV003030695.2), dbSNP rs1443709543, ClinGen allele CA624454951.
Genomic context (GRCh38, chr16:89,810,919, plus strand): 5'-TATGTCCTATTTTCCCAACCAGCTTAAAAGTAACAACGGGCAGGTTTCCTCATCTTTGCT[G>A]GTGTCTTACTCTCTGCTCCACAGTCAGCAGCACAGGGTGACTGGTCTCCGCTGGAGCCGT-3'